The following is an entry in ClinVar:

NM_007294.4(BRCA1):c.1964del (p.Tyr655fs)

Gene: BRCA1 (BRCA1 DNA repair associated; minus strand). Cytogenetic location: 17q21.31.
Variant type: Deletion.
Coding change: c.1964del on transcript NM_007294.4 (MANE Select); coding-DNA position 1964, one base deleted (A; older notation c.1964delA).
Protein change: p.Tyr655fs; shifts the reading frame from tyrosine 655.
Molecular consequence: frameshift variant. On other transcripts: intron variant (137).
Genome position (GRCh38, 1-based): chr17:43,093,567, T deleted on the plus strand (A on the coding strand, the reverse complement: BRCA1 is on the minus strand). VCF-style (leftmost placement, unchanged base first): chr17-43093566-GT-G. GRCh37 (hg19) VCF-style: chr17-41245583-GT-G.
Other names: c.520+1177del (NM_001408503.1, NM_001408505.1, NM_001408504.1); c.523+1177del (NM_001408500.1, NM_001408497.1, NM_001408496.1 and 3 more transcripts); c.646+1177del (NM_001408466.1, NM_001408452.1, NM_001408457.1 and 11 more transcripts); c.787+1177del (NM_001407973.1, NM_001408403.1, NM_001407983.1 and 19 more transcripts); c.404-2535del (NM_001408511.1); c.460+2279del (NM_001408507.1, NM_001408506.1); c.545-2535del (NM_001408495.1); c.661+1177del (NM_001408448.1, NM_001408445.1, NM_001408432.1 and 6 more transcripts); and 40 more; short protein forms Y655fs, Y608fs, Y543fs, Y584fs, Y588fs, Y607fs, Y613fs, Y359fs.
Identifiers: ClinVar variation 187259 (VCV000187259.13), dbSNP rs786203594, ClinGen allele CA001311.
Genomic context (GRCh38, chr17:43,093,566, plus strand): 5'-TGCAGGTTCTTTACCTTCCATGAGTTGTAGGTTTCTGCTGTGCCTGACTGGCATTTGGTT[GT>G]ACTTTTTTTTCTTTATCTCTTCACTGCTAGAACAACTATCAATTTGCAATTCAGTACAAT-3'

ClinVar aggregate classification (germline): Pathogenic. Review status: reviewed by expert panel (3 of 4 stars). 3 submissions from 3 submitters: Pathogenic (1). 2 of the submissions do not count toward it. Last evaluated 2016-09-08.

Conditions:
Hereditary breast ovarian cancer syndrome. Also called: Hereditary breast and ovarian cancer syndrome; Hereditary breast and ovarian cancer syndrome (HBOC); BRCA1- and BRCA2-Associated Hereditary Breast and Ovarian Cancer; Breast and ovarian cancer; Hereditary breast and ovarian cancer; Hereditary breast and/or ovarian cancer syndrome. Identifiers: Orphanet 145, MedGen C0677776, MeSH D061325, MONDO:0003582. Disease mechanism: loss of function.
Hereditary cancer-predisposing syndrome. Also called: Hereditary Cancer Syndrome; Hereditary neoplastic syndrome; Tumor predisposition; Neoplastic Syndromes, Hereditary. Identifiers: Orphanet 140162, MedGen C0027672, MeSH D009386, MONDO:0015356.
Breast-ovarian cancer, familial, susceptibility to, 1 (BROVCA1). Also called: OVARIAN CANCER, SUSCEPTIBILITY TO; BRCA1 Hereditary Breast and Ovarian Cancer. Identifiers: Orphanet 145, MedGen C2676676, MONDO:0011450, OMIM 604370. Disease mechanism: loss of function.

Submissions (3):

Evidence-based Network for the Interpretation of Germline Mutant Alleles (ENIGMA)
Classification: Pathogenic for Breast-ovarian cancer, familial, susceptibility to, 1. Last evaluated: 2016-09-08. Review status: reviewed by expert panel. Criteria: ENIGMA BRCA1/2 Classification Criteria (2015). Collection method: curation. Allele origin: germline.
Comment: Variant allele predicted to encode a truncated non-functional protein.

Labcorp Genetics (formerly Invitae), Labcorp
Classification: Pathogenic for Hereditary breast ovarian cancer syndrome. Last evaluated: 2021-05-02. Review status: criteria provided, single submitter. Criteria: Invitae Variant Classification Sherloc (09022015). Collection method: clinical testing. Allele origin: germline. Not counted in ClinVar's aggregate classification.
Comment: This sequence change creates a premature translational stop signal (p.Tyr655Serfs*46) in the BRCA1 gene. It is expected to result in an absent or disrupted protein product. Loss-of-function variants in BRCA1 are known to be pathogenic (PMID: 20104584). This variant is not present in population databases (ExAC no frequency). This variant has not been reported in the literature in individuals with BRCA1-related conditions. ClinVar contains an entry for this variant (Variation ID: 187259). For these reasons, this variant has been classified as Pathogenic.

Ambry Genetics
Classification: Pathogenic for Hereditary cancer-predisposing syndrome. Last evaluated: 2014-12-02. Review status: criteria provided, single submitter. Criteria: Ambry Variant Classification Scheme 2023. Collection method: clinical testing. Allele origin: germline. Not counted in ClinVar's aggregate classification.
Comment: The c.1964delA (also known as 2083delA) pathogenic mutation, located in coding exon 9 of the BRCA1 gene, results from a deletion of one nucleotide at position 1964, causing a translational frameshift with a predicted alternate stop codon (p.Y655Sfs*46). Since frameshifts are typically deleterious in nature, this alteration is interpreted as a disease-causing mutation (ACMG Recommendations for Standards for Interpretation and Reporting of Sequence Variations. Revision 2007. Genet Med. 2008;10:294).

Literature cited by the submitters: PubMed 20104584 (cited by Labcorp Genetics (formerly Invitae), Labcorp).